The following is an entry in ClinVar:

NM_001145026.2(PTPRQ):c.5916-6T>C

Gene: PTPRQ (protein tyrosine phosphatase receptor type Q; plus strand). Cytogenetic location: 12q21.31.
Variant type: single nucleotide variant.
Coding change: c.5916-6T>C on transcript NM_001145026.2 (MANE Select); 6 bases into the intron before coding-DNA position 5916, T replaced by C.
Molecular consequence: intron variant.
Genome position (GRCh38, 1-based): chr12:80,648,891, T>C. VCF-style: chr12-80648891-T-C. GRCh37 (hg19) VCF-style: chr12-81042670-T-C.
Identifiers: ClinVar variation 1328788 (VCV001328788.2), dbSNP rs1379753398, ClinGen allele CA606297293.
Genomic context (GRCh38, chr12:80,648,891, plus strand): 5'-TACACTTCTTTCAGAATTAGCTGTCCACTCTGACTCACAATGCATTTAACACAATCTCTA[T>C]TGCAGGTTACTTAGTTATAGAAAATCCATCAAGTAAGTTTGTTAAATATTTTCTTTCTTC-3'

ClinVar aggregate classification (germline): Uncertain significance (1 of 4 stars; one submission).

Allele frequency attached by ClinVar (database versions not stated): gnomAD exomes below 0.00001; gnomAD 0.00001.
gnomAD v4.1: 2 of 1,531,170 alleles (0.00013%); highest among the groups gnomAD compares: Non-Finnish European, 0.00018%; no homozygotes.

Submission:

GeneDx
Classification: Uncertain significance. Last evaluated: 2021-06-16. Review status: criteria provided, single submitter. Criteria: GeneDx Variant Classification Process June 2021. Collection method: clinical testing. Allele origin: germline. Affected: yes.
Comment: Not observed at significant frequency in large population cohorts (Lek et al., 2016); Has not been previously published as pathogenic or benign to our knowledge; In-silico analysis is inconclusive as to whether the variant alters gene splicing. In the absence of RNA/functional studies, the actual effect of this sequence change is unknown.; This variant is associated with the following publications: (PMID: 27535533)